The following is an entry in ClinVar:

ClinVar aggregate classification (germline): Benign (1 of 4 stars; one submission).

Allele frequency attached by ClinVar (database versions not stated): 1000 Genomes Project 0.10304; 1000 Genomes Project 30x 0.10540; gnomAD 0.10936 and 0.11278; TOPMed 0.11423.
gnomAD v4.1: 16,609 of 152,126 alleles (11%); highest among the groups gnomAD compares: African/African-American, 19%; 1,165 homozygotes.

Submission:

GeneDx
Classification: Benign. Last evaluated: 2018-06-14. Review status: criteria provided, single submitter. Criteria: GeneDx Variant Classification (06012015). Collection method: clinical testing. Allele origin: germline. Affected: yes.
Comment: This variant is considered likely benign or benign based on one or more of the following criteria: it is a conservative change, it occurs at a poorly conserved position in the protein, it is predicted to be benign by multiple in silico algorithms, and/or has population frequency not consistent with disease.

NM_001457.4(FLNB):c.2863+161G>A

Gene: FLNB (filamin B; plus strand). Cytogenetic location: 3p14.3.
Variant type: single nucleotide variant.
Coding change: c.2863+161G>A on transcript NM_001457.4 (MANE Select); 161 bases into the intron after coding-DNA position 2863, G replaced by A.
Molecular consequence: intron variant.
Genome position (GRCh38, 1-based): chr3:58,119,150, G>A. VCF-style: chr3-58119150-G-A. GRCh37 (hg19) VCF-style: chr3-58104877-G-A.
Other names: c.2863+161G>A (NM_001164317.2, NM_001164318.2, NM_001164319.2).
Identifiers: ClinVar variation 683103 (VCV000683103.1), dbSNP rs3732634, ClinGen allele CA11569285.
Genomic context (GRCh38, chr3:58,119,150, plus strand): 5'-CTATGTTAAGAGACTTTGCAGTTGCACAGACTTTGGTTCGAATTAAGGCCGTGGTGTGAA[G>A]TAACTGTGACTGTGTCTGCCCCTTAGCCACACCGAGACTCAGCTTTCTCATTTGTACAGT-3'